The following is an entry in ClinVar:

NM_000553.6(WRN):c.3826A>G (p.Ile1276Val)

Gene: WRN (WRN RecQ like helicase; plus strand). Cytogenetic location: 8p12.
Variant type: single nucleotide variant.
Coding change: c.3826A>G on transcript NM_000553.6 (MANE Select); coding-DNA position 3826, A replaced by G.
Protein change: p.Ile1276Val; replaces isoleucine 1276 with valine.
Molecular consequence: missense variant.
Genome position (GRCh38, 1-based): chr8:31,157,374, A>G. VCF-style: chr8-31157374-A-G. GRCh37 (hg19) VCF-style: chr8-31014890-A-G.
Other names: short protein forms I1276V.
Identifiers: ClinVar variation 528164 (VCV000528164.6), dbSNP rs1554536324, ClinGen allele CA370929286.

ClinVar aggregate classification (germline): Uncertain significance (1 of 4 stars; one submission).

Conditions:
Werner syndrome (WRN). Identifiers: Orphanet 902, MedGen C0043119, MONDO:0010196, OMIM 277700.

Allele frequency attached by ClinVar (database versions not stated): gnomAD exomes below 0.00001.
gnomAD v4.1: 1 of 1,614,018 alleles (0.000062%); highest among the groups gnomAD compares: Non-Finnish European, 0.000085%; no homozygotes.

Submission:

Labcorp Genetics (formerly Invitae), Labcorp
Classification: Uncertain significance for Werner syndrome. Last evaluated: 2023-10-06. Review status: criteria provided, single submitter. Criteria: Invitae Variant Classification Sherloc (09022015). Collection method: clinical testing. Allele origin: germline.
Comment: This sequence change replaces isoleucine, which is neutral and non-polar, with valine, which is neutral and non-polar, at codon 1276 of the WRN protein (p.Ile1276Val). This variant is not present in population databases (gnomAD no frequency). This variant has not been reported in the literature in individuals affected with WRN-related conditions. ClinVar contains an entry for this variant (Variation ID: 528164). Algorithms developed to predict the effect of missense changes on protein structure and function output the following: SIFT: "Not Available"; PolyPhen-2: "Benign"; Align-GVGD: "Not Available". The valine amino acid residue is found in multiple mammalian species, which suggests that this missense change does not adversely affect protein function. In summary, the available evidence is currently insufficient to determine the role of this variant in disease. Therefore, it has been classified as a Variant of Uncertain Significance.